The following is an entry in ClinVar:

NM_005220.3(DLX3):c.539G>A (p.Arg180His)

Gene: DLX3 (distal-less homeobox 3; minus strand). Cytogenetic location: 17q21.33.
Variant type: single nucleotide variant.
Coding change: c.539G>A on transcript NM_005220.3 (MANE Select); coding-DNA position 539, G replaced by A.
Protein change: p.Arg180His; replaces arginine 180 with histidine.
Molecular consequence: missense variant.
Genome position (GRCh38, 1-based): chr17:49,991,842, C>T on the plus strand (G>A on the coding strand, the complement: DLX3 is on the minus strand). VCF-style: chr17-49991842-C-T. GRCh37 (hg19) VCF-style: chr17-48069206-C-T.
Other names: short protein forms R180H.
Identifiers: ClinVar variation 3611235 (VCV003611235.2).
Genomic context (GRCh38, chr17:49,991,842, plus strand): 5'-TTGGGACTGTGCTCCAGCGGCACCTCCCCGTTCTTGTAGAGTTTCTTGAACTTGGAACGG[C>T]GGTTCTGGAACCAGATTTTCACCTGGGCCAGAGAAGAAAGGGGTAGCTAGTTAGCCTCTC-3'
Protein context (NP_005211.1, residues 170-190): QTQVKIWFQN[Arg180His]RSKFKKLYKN

ClinVar aggregate classification (germline): Uncertain significance (1 of 4 stars; one submission).

gnomAD v4.1: 39 of 1,613,830 alleles (0.0024%); highest among the groups gnomAD compares: South Asian, 0.015%; no homozygotes.

Submission:

Labcorp Genetics (formerly Invitae), Labcorp
Classification: Uncertain significance. Last evaluated: 2024-11-07. Review status: criteria provided, single submitter. Criteria: Invitae Variant Classification Sherloc (09022015). Collection method: clinical testing. Allele origin: germline.
Comment: This sequence change replaces arginine, which is basic and polar, with histidine, which is basic and polar, at codon 180 of the DLX3 protein (p.Arg180His). This variant is present in population databases (rs762788082, gnomAD 0.02%). This variant has not been reported in the literature in individuals affected with DLX3-related conditions. Invitae Evidence Modeling of protein sequence and biophysical properties (such as structural, functional, and spatial information, amino acid conservation, physicochemical variation, residue mobility, and thermodynamic stability) indicates that this missense variant is not expected to disrupt DLX3 protein function with a negative predictive value of 80%. In summary, the available evidence is currently insufficient to determine the role of this variant in disease. Therefore, it has been classified as a Variant of Uncertain Significance.